The following is an entry in ClinVar:

NM_201253.3(CRB1):c.194_195del (p.Lys65fs)

Gene: CRB1 (crumbs cell polarity complex component 1; plus strand). Cytogenetic location: 1q31.3.
Variant type: Deletion.
Coding change: c.194_195del on transcript NM_201253.3 (MANE Select); coding-DNA positions 194 to 195, 2 bases deleted (AA; older notation c.194_195delAA).
Protein change: p.Lys65fs; shifts the reading frame from lysine 65.
Molecular consequence: frameshift variant. On other transcripts: 5 prime UTR variant (1), non-coding transcript variant (2).
Genome position (GRCh38, 1-based): chr1:197,328,545-197,328,546, AA deleted; deleting any 2 consecutive bases within chr1:197,328,544-197,328,546 gives the same sequence; the c. name uses the placement nearest the transcript's 3' end. VCF-style (leftmost placement, unchanged base first): chr1-197328543-CAA-C. GRCh37 (hg19) VCF-style: chr1-197297673-CAA-C.
Other names: c.194_195del, p.Lys65fs (NM_001193640.2, NM_001257966.2); c.-14_-13del (NM_001257965.2); short protein forms K65fs.
Identifiers: ClinVar variation 2088051 (VCV002088051.4), dbSNP rs2465025960, ClinGen allele CA2573974432.

ClinVar aggregate classification (germline): Pathogenic (1 of 4 stars; one submission).

Conditions:
Leber congenital amaurosis 8 (LCA8). Identifiers: Orphanet 65, MedGen C3151202, MONDO:0013453, OMIM 613835.
Retinitis pigmentosa 12 (RP12). Also called: RP WITH OR WITHOUT PPRPE; RP WITH OR WITHOUT PRESERVED PARAARTERIOLE RETINAL PIGMENT EPITHELIUM; RETINITIS PIGMENTOSA WITH OR WITHOUT PARAARTERIOLAR PRESERVATION OF RETINAL PIGMENT EPITHELIUM. Identifiers: Orphanet 791, MedGen C1838647, MONDO:0010818, OMIM 600105.

Submission:

Labcorp Genetics (formerly Invitae), Labcorp
Classification: Pathogenic for Leber congenital amaurosis 8; Retinitis pigmentosa 12. Last evaluated: 2023-05-22. Review status: criteria provided, single submitter. Criteria: Invitae Variant Classification Sherloc (09022015). Collection method: clinical testing. Allele origin: germline.
Comment: This sequence change creates a premature translational stop signal (p.Lys65Argfs*3) in the CRB1 gene. It is expected to result in an absent or disrupted protein product. Loss-of-function variants in CRB1 are known to be pathogenic (PMID: 10508521, 22065545, 23379534, 25412400, 26957898, 28041643, 29391521). This variant is not present in population databases (gnomAD no frequency). This variant has not been reported in the literature in individuals affected with CRB1-related conditions. ClinVar contains an entry for this variant (Variation ID: 2088051). For these reasons, this variant has been classified as Pathogenic.

Literature cited by the submitters: PubMed 10508521; PubMed 22065545; PubMed 23379534; PubMed 25412400; PubMed 26957898; PubMed 28041643; PubMed 29391521.